The following is an entry in ClinVar:

NM_006415.4(SPTLC1):c.1312T>C (p.Cys438Arg)

Gene: SPTLC1 (serine palmitoyltransferase long chain base subunit 1; minus strand). Cytogenetic location: 9q22.31.
Variant type: single nucleotide variant.
Coding change: c.1312T>C on transcript NM_006415.4 (MANE Select); coding-DNA position 1312, T replaced by C.
Protein change: p.Cys438Arg; replaces cysteine 438 with arginine.
Molecular consequence: missense variant.
Genome position (GRCh38, 1-based): chr9:92,034,826, A>G on the plus strand (T>C on the coding strand, the complement: SPTLC1 is on the minus strand). VCF-style: chr9-92034826-A-G. GRCh37 (hg19) VCF-style: chr9-94797108-A-G.
Other names: c.1312T>C, p.Cys438Arg (NM_001281303.2); c.946T>C, p.Cys316Arg (NM_001368272.1); c.847T>C, p.Cys283Arg (NM_001368273.1); short protein forms C438R, C283R, C316R.
Identifiers: ClinVar variation 2701851 (VCV002701851.4), dbSNP rs1419597770, ClinGen allele CA373789686.

ClinVar aggregate classification (germline): Uncertain significance. Review status: criteria provided, multiple submitters, no conflicts (2 of 4 stars). 2 submissions from 2 submitters: Uncertain significance (2). Last evaluated 2023-10-06.

Conditions:
Hereditary sensory and autonomic neuropathy type 1 (HSAN1). Also called: HSAN 1; HSN Type I; Hereditary Sensory Neuropathy Type I. Identifiers: Orphanet 36386, MedGen C0020071, MONDO:0018213.
Inborn genetic diseases. Identifiers: MedGen C0950123, MeSH D030342.

Allele frequency attached by ClinVar (database versions not stated): gnomAD exomes 0.00004.
gnomAD v4.1: 52 of 1,614,156 alleles (0.0032%); highest among the groups gnomAD compares: Non-Finnish European, 0.0042%; no homozygotes.

Submissions (2):

Ambry Genetics
Classification: Uncertain significance for Inborn genetic diseases. Last evaluated: 2023-10-06. Review status: criteria provided, single submitter. Criteria: Ambry Variant Classification Scheme 2023. Collection method: clinical testing. Allele origin: germline.

Labcorp Genetics (formerly Invitae), Labcorp
Classification: Uncertain significance for Hereditary sensory and autonomic neuropathy type 1. Last evaluated: 2023-09-28. Review status: criteria provided, single submitter. Criteria: Invitae Variant Classification Sherloc (09022015). Collection method: clinical testing. Allele origin: germline.
Comment: Advanced modeling of protein sequence and biophysical properties (such as structural, functional, and spatial information, amino acid conservation, physicochemical variation, residue mobility, and thermodynamic stability) performed at Invitae indicates that this missense variant is not expected to disrupt SPTLC1 protein function. This variant has not been reported in the literature in individuals affected with SPTLC1-related conditions. This variant is present in population databases (no rsID available, gnomAD 0.0009%). This sequence change replaces cysteine, which is neutral and slightly polar, with arginine, which is basic and polar, at codon 438 of the SPTLC1 protein (p.Cys438Arg). In summary, the available evidence is currently insufficient to determine the role of this variant in disease. Therefore, it has been classified as a Variant of Uncertain Significance.